The following is an entry in ClinVar:

NM_001042545.2(LTBP4):c.1826C>G (p.Thr609Ser)

Gene: LTBP4 (latent transforming growth factor beta binding protein 4; plus strand). Cytogenetic location: 19q13.2.
Variant type: single nucleotide variant.
Coding change: c.1826C>G on transcript NM_001042545.2 (MANE Select); coding-DNA position 1826, C replaced by G.
Protein change: p.Thr609Ser; replaces threonine 609 with serine.
Molecular consequence: missense variant.
Genome position (GRCh38, 1-based): chr19:40,611,167, C>G. VCF-style: chr19-40611167-C-G. GRCh37 (hg19) VCF-style: chr19-41117073-C-G.
Other names: c.2027C>G, p.Thr676Ser (NM_001042544.1); c.1916C>G, p.Thr639Ser (NM_003573.2); short protein forms T676S, T639S, T609S.
Identifiers: ClinVar variation 2820311 (VCV002820311.3), dbSNP rs775127333, ClinGen allele CA9448452.

ClinVar aggregate classification (germline): Uncertain significance (1 of 4 stars; one submission).

Allele frequency attached by ClinVar (database versions not stated): ExAC 0.00001.
gnomAD v4.1: 4 of 1,613,970 alleles (0.00025%); highest among the groups gnomAD compares: Middle Eastern, 0.017%; no homozygotes.

Submission:

Labcorp Genetics (formerly Invitae), Labcorp
Classification: Uncertain significance. Last evaluated: 2022-12-13. Review status: criteria provided, single submitter. Criteria: Invitae Variant Classification Sherloc (09022015). Collection method: clinical testing. Allele origin: germline.
Comment: In summary, the available evidence is currently insufficient to determine the role of this variant in disease. Therefore, it has been classified as a Variant of Uncertain Significance. Experimental studies and prediction algorithms are not available or were not evaluated, and the functional significance of this variant is currently unknown. This variant has not been reported in the literature in individuals affected with LTBP4-related conditions. This variant is present in population databases (rs775127333, gnomAD 0.01%). This sequence change replaces threonine, which is neutral and polar, with serine, which is neutral and polar, at codon 639 of the LTBP4 protein (p.Thr639Ser).